The following is an entry in ClinVar:

NC_000019.9:g.(?_49472545)_(49714755_?)del

Genes: C19orf73 (chromosome 19 open reading frame 73; minus strand), CGB1 (chorionic gonadotropin subunit beta 1; minus strand), CGB2 (chorionic gonadotropin subunit beta 2; plus strand), CGB3 (chorionic gonadotropin subunit beta 3; minus strand), CGB5 (chorionic gonadotropin subunit beta 5; plus strand) and 12 more. Cytogenetic location: 19q13.33.
Variant type: Deletion.
Identifiers: ClinVar variation 2426330 (VCV002426330.4).

ClinVar aggregate classification (germline): Uncertain significance (1 of 4 stars; one submission).

Conditions:
Progressive familial heart block type IB (PFHB1B). Identifiers: Orphanet 871, MedGen C1970298, MONDO:0011474, OMIM 604559.

Submission:

Labcorp Genetics (formerly Invitae), Labcorp
Classification: Uncertain significance for Progressive familial heart block type IB. Last evaluated: 2021-11-09. Review status: criteria provided, single submitter. Criteria: Invitae Variant Classification Sherloc (09022015). Collection method: clinical testing. Allele origin: germline.
Comment: In summary, the available evidence is currently insufficient to determine the role of this variant in disease. Therefore, it has been classified as a Variant of Uncertain Significance. Experimental studies and prediction algorithms are not available or were not evaluated, and the functional significance of this variant is currently unknown. This variant has not been reported in the literature in individuals affected with TRPM4-related conditions. A gross deletion of the genomic region encompassing the full coding sequence of the TRPM4 gene has been identified. The current clinical and genetic evidence is not sufficient to establish whether loss-of-function variants in TRPM4 cause disease. The boundaries of this event are unknown as they extend beyond the assayed region for this gene and therefore may encompass additional genes.